The following is an entry in ClinVar:

ClinVar aggregate classification (germline): Likely benign. Review status: criteria provided, multiple submitters, no conflicts (2 of 4 stars). 2 submissions from 2 submitters: Likely benign (2). Last evaluated 2026-01-07.

Conditions:
KMT2D-related disorder. Also called: KMT2D-Related Disorders.
Kabuki syndrome. Also called: NIIKAWA-KUROKI SYNDROME; Kabuki make-up syndrome. Identifiers: Orphanet 2322, MedGen C0796004, MONDO:0016512.

Allele frequency attached by ClinVar (database versions not stated): ExAC 0.00001; gnomAD exomes 0.00001 and 0.00002.
gnomAD v4.1: 7 of 1,613,994 alleles (0.00043%); highest among the groups gnomAD compares: Admixed American, 0.012%; no homozygotes.

Submissions (2):

Labcorp Genetics (formerly Invitae), Labcorp
Classification: Likely benign for Kabuki syndrome. Last evaluated: 2026-01-07. Review status: criteria provided, single submitter. Criteria: Invitae Variant Classification Sherloc (09022015). Collection method: clinical testing. Allele origin: germline.

PreventionGenetics, part of Exact Sciences
Classification: Likely benign for KMT2D-related condition. Last evaluated: 2025-12-05. Review status: criteria provided, single submitter. Criteria: ACMG Guidelines, 2015. Collection method: clinical testing. Allele origin: germline.
Comment: This variant is classified as likely benign based on ACMG/AMP sequence variant interpretation guidelines (Richards et al. 2015 PMID: 25741868, with internal and published modifications).

NM_003482.4(KMT2D):c.3156C>T (p.Pro1052=)

Gene: KMT2D (lysine methyltransferase 2D; minus strand). Cytogenetic location: 12q13.12.
Variant type: single nucleotide variant.
Coding change: c.3156C>T on transcript NM_003482.4 (MANE Select); coding-DNA position 3156, C replaced by T.
Protein change: p.Pro1052=; no amino-acid change (proline 1052 retained).
Molecular consequence: synonymous variant.
Genome position (GRCh38, 1-based): chr12:49,050,432, G>A on the plus strand (C>T on the coding strand, the complement: KMT2D is on the minus strand). VCF-style: chr12-49050432-G-A. GRCh37 (hg19) VCF-style: chr12-49444215-G-A.
Identifiers: ClinVar variation 1667647 (VCV001667647.9), dbSNP rs770342892, ClinGen allele CA6548107.
Genomic context (GRCh38, chr12:49,050,432, plus strand): 5'-CTCGTGCAGCTCAGCCTCATCTGAGACCCCCACTACCTTCCCTATGGGACTCAACGGGGA[G>A]GGAACGGACAGTGGTAGGGCAGGAGGAGAGCACTGGGAAGGAGGGGAGTTTTGGGGAACC-3'
Protein context (NP_003473.3, residues 1042-1062): CSPPALPLSV[Pro1052=]SPLSPIGKVV